The following is an entry in ClinVar:

NM_014491.4(FOXP2):c.*2018A>G

Gene: FOXP2 (forkhead box P2; plus strand). Cytogenetic location: 7q31.1.
Variant type: single nucleotide variant.
Coding change: c.*2018A>G on transcript NM_014491.4 (MANE Select); 2018 bases downstream of the stop codon, A replaced by G.
Molecular consequence: 3 prime UTR variant. On other transcripts: non-coding transcript variant (2).
Genome position (GRCh38, 1-based): chr7:114,691,944, A>G. VCF-style: chr7-114691944-A-G. GRCh37 (hg19) VCF-style: chr7-114331999-A-G.
Other names: c.*2018A>G (NM_001172766.3, NM_148898.4, NM_148900.4).
Identifiers: ClinVar variation 358649 (VCV000358649.5), dbSNP rs768026922, ClinGen allele CA4446451.

ClinVar aggregate classification (germline): Benign (1 of 4 stars; one submission).

Conditions:
Childhood apraxia of speech (SPCH1). Also called: DEVELOPMENTAL VERBAL DYSPRAXIA; Speech language disorder; FOXP2-Related Speech and Language Disorder; SPEECH AND LANGUAGE DISORDER WITH OROFACIAL DYSPRAXIA. Identifiers: Orphanet 209908, MedGen C0750927, MONDO:0011184, OMIM 602081.

Allele frequency attached by ClinVar (database versions not stated): gnomAD 0.00056; gnomAD exomes 0.01048; ExAC 0.01799.

Submission:

Illumina Laboratory Services, Illumina
Classification: Benign for Childhood apraxia of speech. Last evaluated: 2018-01-12. Review status: criteria provided, single submitter. Criteria: ICSL Variant Classification Criteria 13 December 2019. Collection method: clinical testing. Allele origin: germline.
Comment: This variant was observed in the ICSL laboratory as part of a predisposition screen in an ostensibly healthy population. It had not been previously curated by ICSL or reported in the Human Gene Mutation Database (HGMD: prior to June 1st, 2018), and was therefore a candidate for classification through an automated scoring system. Utilizing variant allele frequency, disease prevalence and penetrance estimates, and inheritance mode, an automated score was calculated to assess if this variant is too frequent to cause the disease. Based on the score and internal cut-off values, a variant classified as benign is not then subjected to further curation. The score for this variant resulted in a classification of benign for this disease.